The following is an entry in ClinVar:

NM_001042545.2(LTBP4):c.3203C>G (p.Pro1068Arg)

Gene: LTBP4 (latent transforming growth factor beta binding protein 4; plus strand). Cytogenetic location: 19q13.2.
Variant type: single nucleotide variant.
Coding change: c.3203C>G on transcript NM_001042545.2 (MANE Select); coding-DNA position 3203, C replaced by G.
Protein change: p.Pro1068Arg; replaces proline 1068 with arginine.
Molecular consequence: missense variant.
Genome position (GRCh38, 1-based): chr19:40,619,479, C>G. VCF-style: chr19-40619479-C-G. GRCh37 (hg19) VCF-style: chr19-41125384-C-G.
Other names: c.3404C>G, p.Pro1135Arg (NM_001042544.1); c.3293C>G, p.Pro1098Arg (NM_003573.2); short protein forms P1068R, P1098R, P1135R.
Identifiers: ClinVar variation 1208274 (VCV001208274.5), dbSNP rs541020567, ClinGen allele CA9448935.

ClinVar aggregate classification (germline): Uncertain significance. Review status: criteria provided, multiple submitters, no conflicts (2 of 4 stars). 2 submissions from 2 submitters: Uncertain significance (2). Last evaluated 2025-12-15.

Allele frequency attached by ClinVar (database versions not stated): 1000 Genomes Project 30x 0.00031; gnomAD 0.00003 and 0.00002; 1000 Genomes Project 0.00020.

Submissions (2):

Labcorp Genetics (formerly Invitae), Labcorp
Classification: Uncertain significance. Last evaluated: 2025-12-15. Review status: criteria provided, single submitter. Criteria: Invitae Variant Classification Sherloc (09022015). Collection method: clinical testing. Allele origin: germline.
Comment: This sequence change replaces proline, which is neutral and non-polar, with arginine, which is basic and polar, at codon 1098 of the LTBP4 protein (p.Pro1098Arg). This variant is present in population databases (rs541020567, gnomAD 0.06%). This variant has not been reported in the literature in individuals affected with LTBP4-related conditions. ClinVar contains an entry for this variant (Variation ID: 1208274). Experimental studies and prediction algorithms are not available or were not evaluated, and the functional significance of this variant is currently unknown. In summary, the available evidence is currently insufficient to determine the role of this variant in disease. Therefore, it has been classified as a Variant of Uncertain Significance.

GeneDx
Classification: Uncertain significance. Last evaluated: 2021-05-20. Review status: criteria provided, single submitter. Criteria: GeneDx Variant Classification Process June 2021. Collection method: clinical testing. Allele origin: germline. Affected: yes.
Comment: In silico analysis supports that this missense variant does not alter protein structure/function; Has not been previously published as pathogenic or benign to our knowledge